The following is an entry in ClinVar:

ClinVar aggregate classification (germline): Pathogenic (1 of 4 stars; one submission).

Allele frequency attached by ClinVar (database versions not stated): TOPMed below 0.00001; gnomAD 0.00001.

Submission:

Labcorp Genetics (formerly Invitae), Labcorp
Classification: Pathogenic. Last evaluated: 2021-04-08. Review status: criteria provided, single submitter. Criteria: Invitae Variant Classification Sherloc (09022015). Collection method: clinical testing. Allele origin: germline.
Comment: For these reasons, this variant has been classified as Pathogenic. This variant disrupts the C-terminus of the DLX5 protein. Other variant(s) that disrupt this region (p.Ala163Profs*55) have been determined to be pathogenic (PMID: 27085093, Invitae). This suggests that variants that disrupt this region of the protein are likely to be causative of disease. This variant has not been reported in the literature in individuals with DLX5-related conditions. This variant is not present in population databases (ExAC no frequency). This sequence change creates a premature translational stop signal (p.Ser146Thrfs*31) in the DLX5 gene. While this is not anticipated to result in nonsense mediated decay, it is expected to disrupt the last 144 amino acid(s) of the DLX5 protein.

Literature cited by the submitters: PubMed 27085093.

NM_005221.6(DLX5):c.437del (p.Ser146fs)

Gene: DLX5 (distal-less homeobox 5; minus strand). Cytogenetic location: 7q21.3.
Variant type: Deletion.
Coding change: c.437del on transcript NM_005221.6 (MANE Select); coding-DNA position 437, one base deleted (G; older notation c.437delG).
Protein change: p.Ser146fs; shifts the reading frame from serine 146.
Molecular consequence: frameshift variant.
Genome position (GRCh38, 1-based): chr7:97,022,288, C deleted on the plus strand (G on the coding strand, the reverse complement: DLX5 is on the minus strand). VCF-style (leftmost placement, unchanged base first): chr7-97022287-GC-G. GRCh37 (hg19) VCF-style: chr7-96651599-GC-G.
Other names: short protein forms S146fs.
Identifiers: ClinVar variation 1443159 (VCV001443159.8), dbSNP rs1481657641, ClinGen allele CA844250515.